The following is an entry in ClinVar:

ClinVar aggregate classification (germline): Pathogenic (1 of 4 stars; one submission).

Conditions:
Baller-Gerold syndrome (BGS). Also called: CRANIOSYNOSTOSIS WITH RADIAL DEFECTS. Identifiers: Orphanet 1225, MedGen C0265308, MONDO:0009039, OMIM 218600.

Allele frequency attached by ClinVar (database versions not stated): gnomAD exomes below 0.00001.
gnomAD v4.1: 1 of 1,610,398 alleles (0.000062%); highest among the groups gnomAD compares: Non-Finnish European, 0.000085%; no homozygotes.

Submission:

Labcorp Genetics (formerly Invitae), Labcorp
Classification: Pathogenic for Baller-Gerold syndrome. Last evaluated: 2022-06-28. Review status: criteria provided, single submitter. Criteria: Invitae Variant Classification Sherloc (09022015). Collection method: clinical testing. Allele origin: germline.
Comment: For these reasons, this variant has been classified as Pathogenic. Algorithms developed to predict the effect of sequence changes on RNA splicing suggest that this variant may disrupt the consensus splice site. This variant has not been reported in the literature in individuals affected with RECQL4-related conditions. This variant is not present in population databases (gnomAD no frequency). This sequence change creates a premature translational stop signal (p.Gln176*) in the RECQL4 gene. It is expected to result in an absent or disrupted protein product. Loss-of-function variants in RECQL4 are known to be pathogenic (PMID: 12734318, 12952869).

Literature cited by the submitters: PubMed 12734318; PubMed 12952869.

NM_004260.4(RECQL4):c.526C>T (p.Gln176Ter)

Gene: RECQL4 (RecQ like helicase 4; minus strand). Cytogenetic location: 8q24.3.
Variant type: single nucleotide variant.
Coding change: c.526C>T on transcript NM_004260.4 (MANE Select); coding-DNA position 526, C replaced by T.
Protein change: p.Gln176Ter; replaces glutamine 176 with a stop codon.
Molecular consequence: nonsense.
Genome position (GRCh38, 1-based): chr8:144,516,593, G>A on the plus strand (C>T on the coding strand, the complement: RECQL4 is on the minus strand). VCF-style: chr8-144516593-G-A. GRCh37 (hg19) VCF-style: chr8-145741977-G-A.
Other names: short protein forms Q176*.
Identifiers: ClinVar variation 1445443 (VCV001445443.6), dbSNP rs2130727195, ClinGen allele CA372691148.